The following is an entry in ClinVar:

NM_016216.4(DBR1):c.-107C>A

Gene: DBR1 (debranching RNA lariats 1; minus strand). Cytogenetic location: 3q22.3.
Variant type: single nucleotide variant.
Coding change: c.-107C>A on transcript NM_016216.4 (MANE Select); 107 bases upstream of the start codon, C replaced by A.
Molecular consequence: 5 prime UTR variant.
Genome position (GRCh38, 1-based): chr3:138,174,902, G>T on the plus strand (C>A on the coding strand, the complement: DBR1 is on the minus strand). VCF-style: chr3-138174902-G-T. GRCh37 (hg19) VCF-style: chr3-137893744-G-T.
Other names: NC_000003.11:g.137893744G>T.
Identifiers: ClinVar variation 2688256 (VCV002688256.3), dbSNP rs329379, ClinGen allele CA11379741.

ClinVar aggregate classification (germline): Benign (1 of 4 stars; one submission).

Allele frequency attached by ClinVar (database versions not stated): 1000 Genomes Project 0.13019; 1000 Genomes Project 30x 0.13086; TOPMed 0.19649; gnomAD 0.21258.
gnomAD v4.1: 261,080 of 1,030,622 alleles (25%); highest among the groups gnomAD compares: Non-Finnish European, 29%; 38,352 homozygotes.

Submissions (10):

Unidad de Genómica Garrahan, Hospital de Pediatría Garrahan
Classification: Benign. Last evaluated: 2024-01-24. Review status: criteria provided, single submitter. Criteria: ACMG Guidelines, 2015. Collection method: clinical testing. Allele origin: germline. Affected: no. Observed: 28 variant alleles.
Comment: This variant is classified as Benign based on local population frequency. This variant was detected in 29% of patients studied by a panel of primary immunodeficiencies. Number of patients: 28. Only high quality variants are reported.

Dr. Peter K. Rogan Lab, Western University
No classification provided (evidence only). Condition: Familial prostate cancer. Review status: no classification provided. Collection method: in vitro. Allele origin: not applicable. Functional consequence: retained intron. Not counted in ClinVar's aggregate classification.

Dr. Peter K. Rogan Lab, Western University
No classification provided (evidence only). Condition: Melanoma. Review status: no classification provided. Collection method: in vitro. Allele origin: not applicable. Functional consequence: retained intron. Not counted in ClinVar's aggregate classification.

Dr. Peter K. Rogan Lab, Western University
No classification provided (evidence only). Condition: Thyroid cancer, nonmedullary, 1. Review status: no classification provided. Collection method: in vitro. Allele origin: not applicable. Functional consequence: retained intron. Not counted in ClinVar's aggregate classification.

Dr. Peter K. Rogan Lab, Western University
No classification provided (evidence only). Condition: Thyroid cancer, nonmedullary, 1. Review status: no classification provided. Collection method: in vitro. Allele origin: not applicable. Functional consequence: retained intron. Not counted in ClinVar's aggregate classification.

Dr. Peter K. Rogan Lab, Western University
No classification provided (evidence only). Condition: Thyroid cancer, nonmedullary, 1. Review status: no classification provided. Collection method: in vitro. Allele origin: not applicable. Functional consequence: retained intron. Not counted in ClinVar's aggregate classification.

Dr. Peter K. Rogan Lab, Western University
No classification provided (evidence only). Condition: Malignant lymphoma, large B-cell, diffuse. Review status: no classification provided. Collection method: in vitro. Allele origin: not applicable. Functional consequence: retained intron. Not counted in ClinVar's aggregate classification.

Dr. Peter K. Rogan Lab, Western University
No classification provided (evidence only). Condition: Gastric cancer. Review status: no classification provided. Collection method: in vitro. Allele origin: not applicable. Functional consequence: retained intron. Not counted in ClinVar's aggregate classification.

Dr. Peter K. Rogan Lab, Western University
No classification provided (evidence only). Condition: Uterine carcinosarcoma. Review status: no classification provided. Collection method: in vitro. Allele origin: not applicable. Functional consequence: retained intron. Not counted in ClinVar's aggregate classification.

Dr. Peter K. Rogan Lab, Western University
No classification provided (evidence only). Condition: Uterine carcinosarcoma. Review status: no classification provided. Collection method: in vitro. Allele origin: not applicable. Functional consequence: retained intron. Not counted in ClinVar's aggregate classification.